The following is an entry in ClinVar:

ClinVar aggregate classification (germline): Uncertain significance (1 of 4 stars; one submission).

Conditions:
Neuronopathy, distal hereditary motor, autosomal recessive 4. Also called: NEUROPATHY, DISTAL HEREDITARY MOTOR, AUTOSOMAL RECESSIVE 4; Autosomal recessive lower motor neuron disease with childhood onset. Identifiers: Orphanet 206580, MedGen C1970211, MONDO:0012608, OMIM 611067.
Charcot-Marie-Tooth disease recessive intermediate C. Also called: CHARCOT-MARIE-TOOTH NEUROPATHY, RECESSIVE INTERMEDIATE C. Identifiers: Orphanet 369867, MedGen C3809309, MONDO:0014154, OMIM 615376.

Allele frequency attached by ClinVar (database versions not stated): gnomAD exomes below 0.00001.
gnomAD v4.1: 4 of 1,586,494 alleles (0.00025%); highest among the groups gnomAD compares: South Asian, 0.0023%; no homozygotes.

Submission:

Labcorp Genetics (formerly Invitae), Labcorp
Classification: Uncertain significance for Neuronopathy, distal hereditary motor, autosomal recessive 4; Charcot-Marie-Tooth disease recessive intermediate C. Last evaluated: 2018-07-16. Review status: criteria provided, single submitter. Criteria: Invitae Variant Classification Sherloc (09022015). Collection method: clinical testing. Allele origin: germline.
Comment: In summary, the available evidence is currently insufficient to determine the role of this variant in disease. Therefore, it has been classified as a Variant of Uncertain Significance. Algorithms developed to predict the effect of missense changes on protein structure and function are either unavailable or do not agree on the potential impact of this missense change (SIFT: "Deleterious"; PolyPhen-2: "Probably Damaging"; Align-GVGD: "Class C0"). This variant has not been reported in the literature in individuals with PLEKHG5-related disease. This variant is not present in population databases (ExAC no frequency). This sequence change replaces arginine with cysteine at codon 249 of the PLEKHG5 protein (p.Arg249Cys). The arginine residue is highly conserved and there is a large physicochemical difference between arginine and cysteine.

NM_020631.6(PLEKHG5):c.745C>T (p.Arg249Cys)

Gene: PLEKHG5 (pleckstrin homology and RhoGEF domain containing G5; minus strand). Cytogenetic location: 1p36.31.
Variant type: single nucleotide variant.
Coding change: c.745C>T on transcript NM_020631.6 (MANE Select); coding-DNA position 745, C replaced by T.
Protein change: p.Arg249Cys; replaces arginine 249 with cysteine.
Molecular consequence: missense variant.
Genome position (GRCh38, 1-based): chr1:6,473,301, G>A on the plus strand (C>T on the coding strand, the complement: PLEKHG5 is on the minus strand). VCF-style: chr1-6473301-G-A. GRCh37 (hg19) VCF-style: chr1-6533361-G-A.
Other names: c.856C>T, p.Arg286Cys (NM_001042663.3, NM_001265592.2); c.745C>T, p.Arg249Cys (NM_001042664.2, NM_001042665.2, NM_001265594.3 and 1 more transcripts); c.952C>T, p.Arg318Cys (NM_001265593.2); short protein forms R318C, R249C, R286C.
Identifiers: ClinVar variation 652836 (VCV000652836.9), dbSNP rs1436222408, ClinGen allele CA338136467.